The following is an entry in ClinVar:

NM_000903.3(NQO1):c.410C>A (p.Pro137His)

Gene: NQO1 (NAD(P)H quinone dehydrogenase 1; minus strand). Cytogenetic location: 16q22.1.
Variant type: single nucleotide variant.
Coding change: c.410C>A on transcript NM_000903.3 (MANE Select); coding-DNA position 410, C replaced by A.
Protein change: p.Pro137His; replaces proline 137 with histidine.
Molecular consequence: missense variant. On other transcripts: intron variant (2).
Genome position (GRCh38, 1-based): chr16:69,714,971, G>T on the plus strand (C>A on the coding strand, the complement: NQO1 is on the minus strand). VCF-style: chr16-69714971-G-T. GRCh37 (hg19) VCF-style: chr16-69748874-G-T.
Other names: c.410C>A, p.Pro137His (NM_001025433.2); c.303+3152C>A (NM_001286137.2); c.304-1842C>A (NM_001025434.2); short protein forms P137H.
Identifiers: ClinVar variation 2457816 (VCV002457816.2), dbSNP rs759408233, ClinGen allele CA396488798.

ClinVar aggregate classification (germline): Uncertain significance (1 of 4 stars; one submission).

gnomAD v4.1: 9 of 1,611,432 alleles (0.00056%); highest among the groups gnomAD compares: South Asian, 0.0022%; no homozygotes.

Submission:

Ambry Genetics
Classification: Uncertain significance. Last evaluated: 2023-01-01. Review status: criteria provided, single submitter. Criteria: Ambry Variant Classification Scheme 2023. Collection method: clinical testing. Allele origin: germline.
Comment: The p.P137H variant (also known as c.410C>A), located in coding exon 4 of the NQO1 gene, results from a C to A substitution at nucleotide position 410. The proline at codon 137 is replaced by histidine, an amino acid with similar properties. This amino acid position is conserved. In addition, this alteration is predicted to be tolerated by in silico analysis. Since supporting evidence is limited at this time, the clinical significance of this alteration remains unclear.